The following is an entry in ClinVar:

NM_000288.4(PEX7):c.*9A>G

Gene: PEX7 (peroxisomal biogenesis factor 7; plus strand). Cytogenetic location: 6q23.3.
Variant type: single nucleotide variant.
Coding change: c.*9A>G on transcript NM_000288.4 (MANE Select); 9 bases downstream of the stop codon, A replaced by G.
Molecular consequence: 3 prime UTR variant.
Genome position (GRCh38, 1-based): chr6:136,913,535, A>G. VCF-style: chr6-136913535-A-G. GRCh37 (hg19) VCF-style: chr6-137234673-A-G.
Other names: c.*9A>G (NM_001410945.1).
Identifiers: ClinVar variation 4998489 (VCV004998489.1).

ClinVar aggregate classification (germline): Likely benign (1 of 4 stars; one submission).

Conditions:
PEX7-related disorder. Also called: PEX7-related condition; PEX7-related disorders. Identifiers: MedGen CN239409.

gnomAD v4.1: 3 of 1,586,094 alleles (0.00019%); highest among the groups gnomAD compares: African/African-American, 0.0027%; no homozygotes.

Submission:

PreventionGenetics, part of Exact Sciences
Classification: Likely benign for PEX7-related condition. Last evaluated: 2025-07-01. Review status: criteria provided, single submitter. Criteria: ACMG Guidelines, 2015. Collection method: clinical testing. Allele origin: germline.
Comment: This variant is classified as likely benign based on ACMG/AMP sequence variant interpretation guidelines (Richards et al. 2015 PMID: 25741868, with internal and published modifications).